The following is an entry in ClinVar:

ClinVar aggregate classification (germline): Pathogenic/Likely pathogenic. Review status: criteria provided, multiple submitters, no conflicts (2 of 4 stars). 4 submissions from 4 submitters: Pathogenic (3); Likely pathogenic (1). Last evaluated 2024-08-11.

Conditions:
MYBPC3-related disorder. Also called: MYBPC3-related disorders; MYBPC3-related condition; MYBPC3-related disease.
Primary familial hypertrophic cardiomyopathy (HCM). Identifiers: Orphanet 99739, MedGen C0949658, MeSH D024741, MONDO:0024573. Inheritance: Various modes of inheritance.
Hypertrophic cardiomyopathy. Also called: HYPERTROPHIC MYOCARDIOPATHY. Identifiers: Orphanet 217569, MedGen C0007194, MeSH D002312, MONDO:0005045, HP:0001639.

Submissions (4):

Labcorp Genetics (formerly Invitae), Labcorp
Classification: Pathogenic for Hypertrophic cardiomyopathy. Last evaluated: 2024-08-11. Review status: criteria provided, single submitter. Criteria: Invitae Variant Classification Sherloc (09022015). Collection method: clinical testing. Allele origin: germline.
Comment: This sequence change creates a premature translational stop signal (p.Lys1232*) in the MYBPC3 gene. It is expected to result in an absent or disrupted protein product. Loss-of-function variants in MYBPC3 are known to be pathogenic (PMID: 19574547). This variant is not present in population databases (gnomAD no frequency). This premature translational stop signal has been observed in individual(s) with MYBPC3-related conditions (PMID: 25611685, 27532257, 37652022). ClinVar contains an entry for this variant (Variation ID: 42733). Algorithms developed to predict the effect of sequence changes on RNA splicing suggest that this variant may disrupt the consensus splice site. For these reasons, this variant has been classified as Pathogenic.

Blueprint Genetics
Classification: Pathogenic for MYBPC3-related disorders. Last evaluated: 2024-02-16. Review status: criteria provided, single submitter. Criteria: ACMG Guidelines, 2015. Collection method: clinical testing. Allele origin: germline. Affected: yes. Observed: 1 variant allele.

Laboratory for Molecular Medicine, Mass General Brigham Personalized Medicine
Classification: Pathogenic for Hypertrophic cardiomyopathy. Last evaluated: 2011-09-28. Review status: criteria provided, single submitter. Criteria: LMM Criteria. Collection method: clinical testing. Allele origin: germline. Inheritance: Autosomal dominant inheritance. Observed: 2 variant alleles.
Comment: The Lys1232X variant (MYBPC3) has been identified by our laboratory in 1 out o f >2,000 Caucasian probands tested. This variant leads to a premature stop at co don 1232, which is predicted to lead to a truncated or absent protein and theref ore to a heterozygous loss of function. Loss of function of the MYBPC3 gene is an established mechanism of disease in HCM, which is consistent with this indivi dual's clinical features. In summary, the Lys1232X variant is highly likely to b e pathogenic.

Molecular Diagnostic Laboratory for Inherited Cardiovascular Disease, Montreal Heart Institute
Classification: Likely pathogenic for Primary familial hypertrophic cardiomyopathy. Review status: criteria provided, single submitter. Criteria: ACMG Guidelines, 2015. Collection method: clinical testing. Allele origin: germline. Affected: yes.

Literature cited by the submitters: PubMed 19574547 (cited by Labcorp Genetics (formerly Invitae), Labcorp); PubMed 25611685 (cited by Labcorp Genetics (formerly Invitae), Labcorp); PubMed 27532257 (cited by Labcorp Genetics (formerly Invitae), Labcorp); PubMed 37652022 (cited by Labcorp Genetics (formerly Invitae), Labcorp).

NM_000256.3(MYBPC3):c.3694A>T (p.Lys1232Ter)

Gene: MYBPC3 (myosin binding protein C3; minus strand). Cytogenetic location: 11p11.2.
Variant type: single nucleotide variant.
Coding change: c.3694A>T on transcript NM_000256.3 (MANE Select); coding-DNA position 3694, A replaced by T.
Protein change: p.Lys1232Ter; replaces lysine 1232 with a stop codon.
Molecular consequence: nonsense.
Genome position (GRCh38, 1-based): chr11:47,332,192, T>A on the plus strand (A>T on the coding strand, the complement: MYBPC3 is on the minus strand). VCF-style: chr11-47332192-T-A. GRCh37 (hg19) VCF-style: chr11-47353743-T-A.
Other names: short protein forms K1232*.
Identifiers: ClinVar variation 42733 (VCV000042733.9), dbSNP rs397516035, ClinGen allele CA014642.